The following is an entry in ClinVar:

ClinVar aggregate classification (germline): Uncertain significance. Review status: criteria provided, multiple submitters, no conflicts (2 of 4 stars). 2 submissions from 2 submitters: Uncertain significance (2). Last evaluated 2025-07-15.

Conditions:
Familial cancer of breast. Also called: hereditary breast carcinoma; Hereditary breast cancer; BREAST CANCER, FAMILIAL. Identifiers: Orphanet 227535, MedGen C0346153, MONDO:0016419, OMIM 114480. Disease mechanism: loss of function.

Submissions (2):

Department of Clinical Genetics, Copenhagen University Hospital, Rigshospitalet
Classification: Uncertain significance for Familial cancer of breast. Last evaluated: 2025-07-15. Review status: criteria provided, single submitter. Criteria: ACMG Guidelines, 2015. Collection method: clinical testing. Allele origin: germline.
Comment: The following ACMG criteria has been used: PM2_SUP

Center for Genomic Medicine, Rigshospitalet, Copenhagen University Hospital
Classification: Uncertain significance. Last evaluated: 2025-03-04. Review status: criteria provided, single submitter. Criteria: ACMG Guidelines, 2015. Collection method: clinical testing. Allele origin: germline.

Literature cited by the submitters: PubMed 39779848 (cited by Department of Clinical Genetics, Copenhagen University Hospital, Rigshospitalet); PubMed 39779857 (cited by Department of Clinical Genetics, Copenhagen University Hospital, Rigshospitalet); PubMed 29394989 (cited by Center for Genomic Medicine, Rigshospitalet, Copenhagen University Hospital).

NM_000059.4(BRCA2):c.8399C>A (p.Pro2800His)

Gene: BRCA2 (BRCA2 DNA repair associated; plus strand). Cytogenetic location: 13q13.1.
Variant type: single nucleotide variant.
Coding change: c.8399C>A on transcript NM_000059.4 (MANE Select); coding-DNA position 8399, C replaced by A.
Protein change: p.Pro2800His; replaces proline 2800 with histidine.
Molecular consequence: missense variant.
Genome position (GRCh38, 1-based): chr13:32,370,469, C>A. VCF-style: chr13-32370469-C-A. GRCh37 (hg19) VCF-style: chr13-32944606-C-A.
Other names: short protein forms P2800H.
Identifiers: ClinVar variation 1697791 (VCV001697791.8), dbSNP rs80359087, ClinGen allele CA387752491.